The following is an entry in ClinVar:

ClinVar aggregate classification (germline): Uncertain significance (1 of 4 stars; one submission).

Conditions:
Familial cancer of breast. Also called: hereditary breast carcinoma; Hereditary breast cancer; BREAST CANCER, FAMILIAL. Identifiers: Orphanet 227535, MedGen C0346153, MONDO:0016419, OMIM 114480. Disease mechanism: loss of function.

Submission:

Labcorp Genetics (formerly Invitae), Labcorp
Classification: Uncertain significance for Familial cancer of breast. Last evaluated: 2022-01-15. Review status: criteria provided, single submitter. Criteria: Invitae Variant Classification Sherloc (09022015). Collection method: clinical testing. Allele origin: germline.
Comment: In summary, the available evidence is currently insufficient to determine the role of this variant in disease. Therefore, it has been classified as a Variant of Uncertain Significance. Algorithms developed to predict the effect of missense changes on protein structure and function are either unavailable or do not agree on the potential impact of this missense change (SIFT: "Deleterious"; PolyPhen-2: "Probably Damaging"; Align-GVGD: "Class C0"). ClinVar contains an entry for this variant (Variation ID: 1037176). This variant has not been reported in the literature in individuals affected with CHEK2-related conditions. This variant is not present in population databases (gnomAD no frequency). This sequence change replaces cysteine, which is neutral and slightly polar, with phenylalanine, which is neutral and non-polar, at codon 362 of the CHEK2 protein (p.Cys362Phe).

NM_007194.4(CHEK2):c.1085G>T (p.Cys362Phe)

Gene: CHEK2 (checkpoint kinase 2; minus strand). Cytogenetic location: 22q12.1.
Variant type: single nucleotide variant.
Coding change: c.1085G>T on transcript NM_007194.4 (MANE Select); coding-DNA position 1085, G replaced by T.
Protein change: p.Cys362Phe; replaces cysteine 362 with phenylalanine.
Molecular consequence: missense variant. On other transcripts: intron variant (3).
Genome position (GRCh38, 1-based): chr22:28,696,911, C>A on the plus strand (G>T on the coding strand, the complement: CHEK2 is on the minus strand). VCF-style: chr22-28696911-C-A. GRCh37 (hg19) VCF-style: chr22-29092899-C-A.
Other names: c.1214G>T, p.Cys405Phe (NM_001005735.3); c.422G>T, p.Cys141Phe (NM_001257387.3, NM_001437942.1); c.884G>T, p.Cys295Phe (NM_001349956.3); c.1178G>T, p.Cys393Phe (NM_001438293.1); c.1009-1038G>T (NM_145862.3); c.1102-1038G>T (NM_001438295.1); c.1138-1038G>T (NM_001438294.1); short protein forms C405F, C141F, C295F, C362F, C393F.
Identifiers: ClinVar variation 1037176 (VCV001037176.9), dbSNP rs767306337, ClinGen allele CA411097491.